The following is an entry in ClinVar:

NM_000215.4(JAK3):c.1120G>A (p.Glu374Lys)

Gene: JAK3 (Janus kinase 3; minus strand). Cytogenetic location: 19p13.11.
Variant type: single nucleotide variant.
Coding change: c.1120G>A on transcript NM_000215.4 (MANE Select); coding-DNA position 1120, G replaced by A.
Protein change: p.Glu374Lys; replaces glutamic acid 374 with lysine.
Molecular consequence: missense variant.
Genome position (GRCh38, 1-based): chr19:17,841,411, C>T on the plus strand (G>A on the coding strand, the complement: JAK3 is on the minus strand). VCF-style: chr19-17841411-C-T. GRCh37 (hg19) VCF-style: chr19-17952220-C-T.
Other names: short protein forms E374K.
Identifiers: ClinVar variation 1966295 (VCV001966295.2), dbSNP rs769243134, ClinGen allele CA9301986.
Genomic context (GRCh38, chr19:17,841,411, plus strand): 5'-GTGGCCACAGAGGCCGGGAATGGGGGACAGGTCCTTACGTGATGGGGCCGTGGCACTGCT[C>T]GGCCACTTCCTCCAGCAGCCTCGGCGGTGCCACCTCCTTGCAGAAGAAGTGCTGGGAGTC-3'
Protein context (NP_000206.2, residues 364-384): APPRLLEEVA[Glu374Lys]QCHGPITLDF

ClinVar aggregate classification (germline): Uncertain significance (1 of 4 stars; one submission).

Conditions:
T-B+ severe combined immunodeficiency due to JAK3 deficiency. Also called: SCID, autosomal recessive, T-negative/B-positive type; SCID, T CELL-NEGATIVE, B CELL-POSITIVE, NK CELL-NEGATIVE. Identifiers: Orphanet 35078, MedGen C1833275, MONDO:0010938, OMIM 600802.

Submission:

Labcorp Genetics (formerly Invitae), Labcorp
Classification: Uncertain significance for T-B+ severe combined immunodeficiency due to JAK3 deficiency. Last evaluated: 2022-03-01. Review status: criteria provided, single submitter. Criteria: Invitae Variant Classification Sherloc (09022015). Collection method: clinical testing. Allele origin: germline.
Comment: This sequence change replaces glutamic acid, which is acidic and polar, with lysine, which is basic and polar, at codon 374 of the JAK3 protein (p.Glu374Lys). This variant is not present in population databases (gnomAD no frequency). This variant has not been reported in the literature in individuals affected with JAK3-related conditions. Advanced modeling of protein sequence and biophysical properties (such as structural, functional, and spatial information, amino acid conservation, physicochemical variation, residue mobility, and thermodynamic stability) performed at Invitae indicates that this missense variant is not expected to disrupt JAK3 protein function. In summary, the available evidence is currently insufficient to determine the role of this variant in disease. Therefore, it has been classified as a Variant of Uncertain Significance.